The following is an entry in ClinVar:

NM_003185.4(TAF4):c.324del (p.Ser109fs)

Gene: TAF4 (TATA-box binding protein associated factor 4; minus strand). Cytogenetic location: 20q13.33.
Variant type: Deletion.
Coding change: c.324del on transcript NM_003185.4 (MANE Select); coding-DNA position 324, one base deleted (C; older notation c.324delC).
Protein change: p.Ser109fs; shifts the reading frame from serine 109.
Molecular consequence: frameshift variant.
Genome position (GRCh38, 1-based): chr20:62,065,487, G deleted on the plus strand (C on the coding strand, the reverse complement: TAF4 is on the minus strand); the first of 7 consecutive G bases (chr20:62,065,487-62,065,493); deleting any one gives the same sequence. VCF-style (leftmost placement, unchanged base first): chr20-62065486-AG-A. GRCh37 (hg19) VCF-style: chr20-60640542-AG-A.
Other names: short protein forms S109fs.
Identifiers: ClinVar variation 2444584 (VCV002444584.3), dbSNP rs1336167034, ClinGen allele CA511323206.

ClinVar aggregate classification (germline): Uncertain significance. Review status: criteria provided, multiple submitters, no conflicts (2 of 4 stars). 2 submissions from 2 submitters: Uncertain significance (2). Last evaluated 2026-02-27.

Submissions (2):

Dasa
Classification: Uncertain significance. Last evaluated: 2026-02-27. Review status: criteria provided, single submitter. Criteria: DASA Assertion Criteria. Collection method: clinical testing. Allele origin: germline.
Comment: NM_003185.4(TAF4):c.324del (p.Ser109Hisfs*18) is a frameshift variant in TAF4 predicted to alter the reading frame and introduce a premature termination codon and is predicted to result in an absent or altered protein product. This variant is rare in population databases. The currently available literature and clinical evidence are not sufficient to establish a definitive association between this variant and the reported condition. Therefore, this variant is classified as a variant of uncertain significance.

GeneDx
Classification: Uncertain significance. Last evaluated: 2023-03-14. Review status: criteria provided, single submitter. Criteria: GeneDx Variant Classification Process June 2021. Collection method: clinical testing. Allele origin: germline. Affected: yes.
Comment: Frameshift variant predicted to result in protein truncation or nonsense mediated decay in a gene for which loss of function is a known mechanism of disease; Has not been previously published as pathogenic or benign to our knowledge